The following is an entry in ClinVar:

ClinVar aggregate classification (germline): Uncertain significance (1 of 4 stars; one submission).

Submission:

Labcorp Genetics (formerly Invitae), Labcorp
Classification: Uncertain significance. Last evaluated: 2025-06-22. Review status: criteria provided, single submitter. Criteria: Invitae Variant Classification Sherloc (09022015). Collection method: clinical testing. Allele origin: germline.
Comment: This sequence change replaces arginine, which is basic and polar, with glycine, which is neutral and non-polar, at codon 1558 of the ZNF469 protein (p.Arg1558Gly). This variant is not present in population databases (gnomAD no frequency). This variant has not been reported in the literature in individuals affected with ZNF469-related conditions. An algorithm developed to predict the effect of missense changes on protein structure and function outputs the following: PolyPhen-2: "Benign". The glycine amino acid residue is found in multiple mammalian species, which suggests that this missense change does not adversely affect protein function. In summary, the available evidence is currently insufficient to determine the role of this variant in disease. Therefore, it has been classified as a Variant of Uncertain Significance.

NM_001367624.2(ZNF469):c.4756A>G (p.Arg1586Gly)

Gene: ZNF469 (zinc finger protein 469; plus strand). Cytogenetic location: 16q24.2.
Variant type: single nucleotide variant.
Coding change: c.4756A>G on transcript NM_001367624.2 (MANE Select); coding-DNA position 4756, A replaced by G.
Protein change: p.Arg1586Gly; replaces arginine 1586 with glycine.
Molecular consequence: missense variant.
Genome position (GRCh38, 1-based): chr16:88,432,226, A>G. VCF-style: chr16-88432226-A-G. GRCh37 (hg19) VCF-style: chr16-88498634-A-G.
Other names: short protein forms R1586G.
Identifiers: ClinVar variation 4807082 (VCV004807082.1).